The following is an entry in ClinVar:

NM_001370595.2(COA8):c.476+19C>T

Gene: COA8 (cytochrome c oxidase assembly factor 8; plus strand). Cytogenetic location: 14q32.33.
Variant type: single nucleotide variant.
Coding change: c.476+19C>T on transcript NM_001370595.2 (MANE Select); 19 bases into the intron after coding-DNA position 476, C replaced by T.
Molecular consequence: intron variant.
Genome position (GRCh38, 1-based): chr14:103,587,383, C>T. VCF-style: chr14-103587383-C-T. GRCh37 (hg19) VCF-style: chr14-104053720-C-T.
Other names: NM_001302652.2:c.476+19C>T; c.515+19C>T (NM_032374.4); c.*30+19C>T (NM_001302653.2).
Identifiers: ClinVar variation 384236 (VCV000384236.12), dbSNP rs182242924, ClinGen allele CA7365620.

ClinVar aggregate classification (germline): Benign/Likely benign. Review status: criteria provided, multiple submitters, no conflicts (2 of 4 stars). 5 submissions from 5 submitters: Benign (2); Likely benign (3). Last evaluated 2026-01-28.

Conditions:
Mitochondrial complex IV deficiency, nuclear type 17. Also called: Mitochondrial complex 4 deficiency, nuclear type 17. Identifiers: MedGen C5436718, MONDO:0033652, OMIM 619061.

Allele frequency attached by ClinVar (database versions not stated): TOPMed 0.00123; ESP Exome Variant Server 0.00138; 1000 Genomes Project 30x 0.00156; 1000 Genomes Project 0.00160; gnomAD 0.00200 and 0.00201; gnomAD exomes 0.00246; ExAC 0.00249.
gnomAD v4.1: 3,116 of 1,570,716 alleles (0.2%); highest among the groups gnomAD compares: Middle Eastern, 0.49%; 9 homozygotes.

Submissions (5):

Labcorp Genetics (formerly Invitae), Labcorp
Classification: Benign. Last evaluated: 2026-01-28. Review status: criteria provided, single submitter. Criteria: Invitae Variant Classification Sherloc (09022015). Collection method: clinical testing. Allele origin: germline.

Blueprint Genetics
Classification: Likely benign. Last evaluated: 2024-11-20. Review status: criteria provided, single submitter. Criteria: ACMG Guidelines, 2015. Collection method: clinical testing. Allele origin: germline.

Fulgent Genetics
Classification: Benign for Mitochondrial complex IV deficiency, nuclear type 17. Last evaluated: 2021-07-21. Review status: criteria provided, single submitter. Criteria: ACMG Guidelines, 2015. Collection method: clinical testing. Allele origin: unknown.

GeneDx
Classification: Likely benign. Last evaluated: 2016-03-24. Review status: criteria provided, single submitter. Criteria: GeneDx Variant Classification (06012015). Collection method: clinical testing. Allele origin: germline. Affected: yes.
Comment: This variant is considered likely benign or benign based on one or more of the following criteria: it is a conservative change, it occurs at a poorly conserved position in the protein, it is predicted to be benign by multiple in silico algorithms, and/or has population frequency not consistent with disease.

Breakthrough Genomics
Classification: Likely benign. Review status: criteria provided, single submitter. Criteria: ACMG Guidelines, 2015. Collection method: not provided. Allele origin: germline. Inheritance: Autosomal recessive inheritance. Affected: yes.